The following is an entry in ClinVar:

NM_173076.3(ABCA12):c.1657+1G>T

Gene: ABCA12 (ATP binding cassette subfamily A member 12; minus strand). Cytogenetic location: 2q35.
Variant type: single nucleotide variant.
Coding change: c.1657+1G>T on transcript NM_173076.3 (MANE Select); the canonical splice donor site of the intron after coding-DNA position 1657, G replaced by T.
Molecular consequence: splice donor variant.
Genome position (GRCh38, 1-based): chr2:215,019,335, C>A on the plus strand (G>T on the coding strand, the complement: ABCA12 is on the minus strand). VCF-style: chr2-215019335-C-A. GRCh37 (hg19) VCF-style: chr2-215884059-C-A.
Other names: c.703+1G>T (NM_015657.4).
Identifiers: ClinVar variation 560161 (VCV000560161.5), dbSNP rs758568142, ClinGen allele CA350446877.

ClinVar aggregate classification (germline): Likely pathogenic. Review status: criteria provided, single submitter (1 of 4 stars). 2 submissions from 2 submitters: Likely pathogenic (1). 1 of the submissions does not count toward it. Last evaluated 2023-11-05.

Conditions:
Autosomal recessive congenital ichthyosis 4A (LI2). Also called: ICHTHYOSIS CONGENITA IIB. Identifiers: Orphanet 313, MedGen C1832550, MONDO:0011026, OMIM 601277.

gnomAD v4.1: 1 of 1,606,288 alleles (0.000062%); highest among the groups gnomAD compares: Non-Finnish European, 0.000085%; no homozygotes.

Submissions (2):

Labcorp Genetics (formerly Invitae), Labcorp
Classification: Likely pathogenic. Last evaluated: 2023-11-05. Review status: criteria provided, single submitter. Criteria: Invitae Variant Classification Sherloc (09022015). Collection method: clinical testing. Allele origin: germline.
Comment: This sequence change affects a donor splice site in intron 13 of the ABCA12 gene. It is expected to disrupt RNA splicing. Variants that disrupt the donor or acceptor splice site typically lead to a loss of protein function (PMID: 16199547), and loss-of-function variants in ABCA12 are known to be pathogenic (PMID: 20672373). This variant is not present in population databases (gnomAD no frequency). This variant has not been reported in the literature in individuals affected with ABCA12-related conditions. ClinVar contains an entry for this variant (Variation ID: 560161). Algorithms developed to predict the effect of sequence changes on RNA splicing suggest that this variant may disrupt the consensus splice site. In summary, the currently available evidence indicates that the variant is pathogenic, but additional data are needed to prove that conclusively. Therefore, this variant has been classified as Likely Pathogenic.

Foundation for Research in Genetics and Endocrinology, FRIGE's Institute of Human Genetics
Classification: Likely pathogenic for Autosomal recessive congenital ichthyosis 4A. Last evaluated: 2018-08-13. Review status: no assertion criteria provided. Collection method: clinical testing. Allele origin: germline. Inheritance: Autosomal recessive inheritance. Affected: yes. Observed: 1 compound heterozygote. Not counted in ClinVar's aggregate classification.
Comment: The observed variant g.124093G>T (5'splice site) has not been reported in 1000 Genomes and ExAC databases. The in silico prediction of the given variant is disease-causing by MutationTaster2.

Literature cited by the submitters: PubMed 16199547 (cited by Labcorp Genetics (formerly Invitae), Labcorp); PubMed 20672373 (cited by Labcorp Genetics (formerly Invitae), Labcorp).